The following is an entry in ClinVar:

NM_001003694.2(BRPF1):c.3644A>G (p.Glu1215Gly)

Gene: BRPF1 (bromodomain and PHD finger containing 1; plus strand). Cytogenetic location: 3p25.3.
Variant type: single nucleotide variant.
Coding change: c.3644A>G on transcript NM_001003694.2 (MANE Select); coding-DNA position 3644, A replaced by G.
Protein change: p.Glu1215Gly; replaces glutamic acid 1215 with glycine.
Molecular consequence: missense variant. On other transcripts: non-coding transcript variant (1).
Genome position (GRCh38, 1-based): chr3:9,747,330, A>G. VCF-style: chr3-9747330-A-G. GRCh37 (hg19) VCF-style: chr3-9789014-A-G.
Other names: c.3341A>G, p.Glu1114Gly (NM_001319049.2); c.3623A>G, p.Glu1208Gly (NM_001319050.2); c.3626A>G, p.Glu1209Gly (NM_004634.3); short protein forms E1114G, E1208G, E1209G, E1215G.
Identifiers: ClinVar variation 1695540 (VCV001695540.2), dbSNP rs2125518102, ClinGen allele CA351707134.

ClinVar aggregate classification (germline): Uncertain significance (1 of 4 stars; one submission).

Submission:

GeneDx
Classification: Uncertain significance. Last evaluated: 2022-01-11. Review status: criteria provided, single submitter. Criteria: GeneDx Variant Classification Process June 2021. Collection method: clinical testing. Allele origin: germline. Affected: yes.
Comment: Not observed at significant frequency in large population cohorts (gnomAD); In silico analysis supports that this missense variant does not alter protein structure/function; Has not been previously published as pathogenic or benign to our knowledge